The following is an entry in ClinVar:

NM_001134407.3(GRIN2A):c.3377C>T (p.Pro1126Leu)

Gene: GRIN2A (glutamate ionotropic receptor NMDA type subunit 2A; minus strand). Cytogenetic location: 16p13.2.
Variant type: single nucleotide variant.
Coding change: c.3377C>T on transcript NM_001134407.3 (MANE Select); coding-DNA position 3377, C replaced by T.
Protein change: p.Pro1126Leu; replaces proline 1126 with leucine.
Molecular consequence: missense variant.
Genome position (GRCh38, 1-based): chr16:9,764,167, G>A on the plus strand (C>T on the coding strand, the complement: GRIN2A is on the minus strand). VCF-style: chr16-9764167-G-A. GRCh37 (hg19) VCF-style: chr16-9858024-G-A.
Other names: c.3377C>T, p.Pro1126Leu (NM_000833.5, NM_001134408.2); short protein forms P1126L.
Identifiers: ClinVar variation 1346378 (VCV001346378.6), dbSNP rs1230714956, ClinGen allele CA394708001.

ClinVar aggregate classification (germline): Uncertain significance (1 of 4 stars; one submission).

Conditions:
Landau-Kleffner syndrome (FESD). Also called: APHASIA, ACQUIRED, WITH EPILEPSY; EPILEPSY, FOCAL, WITH SPEECH DISORDER AND WITH OR WITHOUT MENTAL RETARDATION. Identifiers: Orphanet 1945, Orphanet 725, Orphanet 98818, MedGen C0282512, MONDO:0009509, OMIM 245570.

Submission:

Labcorp Genetics (formerly Invitae), Labcorp
Classification: Uncertain significance for Landau-Kleffner syndrome. Last evaluated: 2021-10-22. Review status: criteria provided, single submitter. Criteria: Invitae Variant Classification Sherloc (09022015). Collection method: clinical testing. Allele origin: germline.
Comment: This sequence change replaces proline with leucine at codon 1126 of the GRIN2A protein (p.Pro1126Leu). The proline residue is moderately conserved and there is a moderate physicochemical difference between proline and leucine. This variant is not present in population databases (ExAC no frequency). This variant has not been reported in the literature in individuals affected with GRIN2A-related conditions. Advanced modeling of protein sequence and biophysical properties (such as structural, functional, and spatial information, amino acid conservation, physicochemical variation, residue mobility, and thermodynamic stability) performed at Invitae indicates that this missense variant is not expected to disrupt GRIN2A protein function. In summary, the available evidence is currently insufficient to determine the role of this variant in disease. Therefore, it has been classified as a Variant of Uncertain Significance.